The following is an entry in ClinVar:

ClinVar aggregate classification (germline): Uncertain significance (1 of 4 stars; one submission).

Allele frequency attached by ClinVar (database versions not stated): gnomAD 0.00003; ExAC 0.00005; TOPMed 0.00005.
gnomAD v4.1: 42 of 1,581,744 alleles (0.0027%); highest among the groups gnomAD compares: Admixed American, 0.0052%; no homozygotes.

Submission:

Labcorp Genetics (formerly Invitae), Labcorp
Classification: Uncertain significance. Last evaluated: 2023-11-07. Review status: criteria provided, single submitter. Criteria: Invitae Variant Classification Sherloc (09022015). Collection method: clinical testing. Allele origin: germline.
Comment: This sequence change replaces glycine, which is neutral and non-polar, with serine, which is neutral and polar, at codon 35 of the KISS1 protein (p.Gly35Ser). This variant also falls at the last nucleotide of exon 2, which is part of the consensus splice site for this exon. The frequency data for this variant in the population databases is considered unreliable, as metrics indicate poor data quality at this position in the gnomAD database. This missense change has been observed in individual(s) with idiopathic hypogonadotropic hypogonadism (PMID: 21880801). An algorithm developed to predict the effect of missense changes on protein structure and function (PolyPhen-2) suggests that this variant is likely to be disruptive. Variants that disrupt the consensus splice site are a relatively common cause of aberrant splicing (PMID: 17576681, 9536098). Algorithms developed to predict the effect of sequence changes on RNA splicing suggest that this variant may disrupt the consensus splice site. In summary, the available evidence is currently insufficient to determine the role of this variant in disease. Therefore, it has been classified as a Variant of Uncertain Significance.

Literature cited by the submitters: PubMed 21880801; PubMed 17576681; PubMed 9536098.

NM_002256.4(KISS1):c.103G>A (p.Gly35Ser)

Gene: KISS1 (KiSS-1 metastasis suppressor; minus strand). Cytogenetic location: 1q32.1.
Variant type: single nucleotide variant.
Coding change: c.103G>A on transcript NM_002256.4 (MANE Select); coding-DNA position 103, G replaced by A.
Protein change: p.Gly35Ser; replaces glycine 35 with serine.
Molecular consequence: missense variant.
Genome position (GRCh38, 1-based): chr1:204,192,774, C>T on the plus strand (G>A on the coding strand, the complement: KISS1 is on the minus strand). VCF-style: chr1-204192774-C-T. GRCh37 (hg19) VCF-style: chr1-204161902-C-T.
Other names: short protein forms G35S.
Identifiers: ClinVar variation 2758231 (VCV002758231.3), dbSNP rs532969667, ClinGen allele CA1345206.